The following is an entry in ClinVar:

NM_007294.4(BRCA1):c.5153-4T>G

Gene: BRCA1 (BRCA1 DNA repair associated; minus strand). Cytogenetic location: 17q21.31.
Variant type: single nucleotide variant.
Coding change: c.5153-4T>G on transcript NM_007294.4 (MANE Select); 4 bases into the intron before coding-DNA position 5153, T replaced by G.
Molecular consequence: intron variant.
Genome position (GRCh38, 1-based): chr17:43,063,377, A>C on the plus strand (T>G on the coding strand, the complement: BRCA1 is on the minus strand). VCF-style: chr17-43063377-A-C. GRCh37 (hg19) VCF-style: chr17-41215394-A-C.
Other names: c.5009-4T>G (NM_001407751.1, NM_001407740.1, NM_001407739.1 and 21 more transcripts); c.4817-4T>G (NM_001407954.1, NM_001407952.1, NM_001407950.1 and 3 more transcripts); c.1577-4T>G (NM_001408504.1, NM_001408503.1, NM_001408502.1); c.1700-4T>G (NM_001408463.1, NM_001408462.1, NM_001408458.1 and 7 more transcripts); c.5006-4T>G (NM_001407847.1, NM_001407841.1, NM_001407838.1 and 12 more transcripts); c.1580-4T>G (NM_001408499.1, NM_001408498.1, NM_001408501.1 and 3 more transcripts); c.4886-4T>G (NM_001407933.1, NM_001407927.1, NM_001407931.1 and 4 more transcripts); c.4889-4T>G (NM_001407923.1, NM_001407922.1, NM_001407925.1 and 4 more transcripts); and 72 more.
Identifiers: ClinVar variation 867745 (VCV000867745.3), dbSNP rs2051873522, ClinGen allele CA916080048.

Conditions:
Breast-ovarian cancer, familial, susceptibility to, 1 (BROVCA1). Also called: BRCA1 Hereditary Breast and Ovarian Cancer; OVARIAN CANCER, SUSCEPTIBILITY TO. Identifiers: Orphanet 145, MedGen C2676676, MONDO:0011450, OMIM 604370. Disease mechanism: loss of function.

Submission:

Brotman Baty Institute, University of Washington
No classification provided (evidence only). Condition: Breast-ovarian cancer, familial 1. Review status: no classification provided. Collection method: in vitro. Allele origin: not applicable. Functional consequence: functionally_normal.
ClinVar note: "not provided" was previously submitted as the classification for the variant. However, the classification appeared to be based only on an observation of functional data so it was converted to no classification on 2025-07-30.